The following is an entry in ClinVar:

NM_001723.7(DST):c.5377G>A (p.Ala1793Thr)

Gene: DST (dystonin; minus strand). Cytogenetic location: 6p12.1.
Variant type: single nucleotide variant.
Coding change: c.5377G>A on transcript NM_001723.7 (MANE Plus Clinical); coding-DNA position 5377, G replaced by A.
Protein change: p.Ala1793Thr; replaces alanine 1793 with threonine.
Molecular consequence: missense variant. On other transcripts: intron variant (10).
Genome position (GRCh38, 1-based): chr6:56,618,657, C>T on the plus strand (G>A on the coding strand, the complement: DST is on the minus strand). VCF-style: chr6-56618657-C-T. GRCh37 (hg19) VCF-style: chr6-56483455-C-T.
Other names: c.4831-4173G>A (NM_001144769.5); c.4930-4173G>A (NM_001374722.1, NM_001374736.1); c.4957-4173G>A (NM_001374734.1); c.4417-4173G>A (NM_001144770.2); c.4297-4173G>A (NM_001374730.1, NM_001386100.1, NM_183380.4 and 1 more transcripts); c.3319-4173G>A (NM_015548.5); short protein forms A1793T.
Identifiers: ClinVar variation 861078 (VCV000861078.7), dbSNP rs779969687, ClinGen allele CA3870373.

ClinVar aggregate classification (germline): Uncertain significance (1 of 4 stars; one submission).

Conditions:
Epidermolysis bullosa simplex 3, localized or generalized intermediate, with BP230 deficiency (EBS3). Also called: Epidermolysis bullosa simplex due to BP230 deficiency; Epidermolysis bullosa simplex, autosomal recessive 2. Identifiers: Orphanet 412181, MedGen C3809470, MONDO:0014180, OMIM 615425.
Hereditary sensory and autonomic neuropathy type 6. Also called: Neuropathy, hereditary sensory and autonomic, type VI; HSAN VI. Identifiers: Orphanet 314381, MedGen C3539003, MONDO:0013839, OMIM 614653.

Allele frequency attached by ClinVar (database versions not stated): ExAC 0.00001; gnomAD exomes 0.00002 and 0.00007; TOPMed 0.00003; gnomAD 0.00005.
gnomAD v4.1: 115 of 1,613,950 alleles (0.0071%); highest among the groups gnomAD compares: Non-Finnish European, 0.0087%; no homozygotes.

Submission:

Labcorp Genetics (formerly Invitae), Labcorp
Classification: Uncertain significance for Epidermolysis bullosa simplex 3, localized or generalized intermediate, with BP230 deficiency; Hereditary sensory and autonomic neuropathy type 6. Last evaluated: 2022-06-07. Review status: criteria provided, single submitter. Criteria: Invitae Variant Classification Sherloc (09022015). Collection method: clinical testing. Allele origin: germline.
Comment: This sequence change replaces alanine, which is neutral and non-polar, with threonine, which is neutral and polar, at codon 1793 of the DST protein (p.Ala1793Thr). This variant is present in population databases (rs779969687, gnomAD 0.006%). This variant has not been reported in the literature in individuals affected with DST-related conditions. ClinVar contains an entry for this variant (Variation ID: 861078). Algorithms developed to predict the effect of missense changes on protein structure and function (SIFT, PolyPhen-2, Align-GVGD) all suggest that this variant is likely to be disruptive. In summary, the available evidence is currently insufficient to determine the role of this variant in disease. Therefore, it has been classified as a Variant of Uncertain Significance.